The following is an entry in ClinVar:

NM_000548.5(TSC2):c.1444-3C>A

Gene: TSC2 (TSC complex subunit 2; plus strand). Cytogenetic location: 16p13.3.
Variant type: single nucleotide variant.
Coding change: c.1444-3C>A on transcript NM_000548.5 (MANE Select); 3 bases into the intron before coding-DNA position 1444, C replaced by A.
Molecular consequence: intron variant.
Genome position (GRCh38, 1-based): chr16:2,064,269, C>A. VCF-style: chr16-2064269-C-A. GRCh37 (hg19) VCF-style: chr16-2114270-C-A.
Other names: c.1444-3C>A (NM_021055.3, NM_001370405.1, NM_001363528.2 and 3 more transcripts); c.1333-3C>A (NM_001318827.2); c.844-3C>A (NM_001318831.2); c.1297-3C>A (NM_001318829.2); c.1477-3C>A (NM_001318832.2).
Identifiers: ClinVar variation 1961448 (VCV001961448.5), dbSNP rs1484617931, ClinGen allele CA2580090782.

ClinVar aggregate classification (germline): Uncertain significance (1 of 4 stars; one submission).

Conditions:
Tuberous sclerosis 2 (TSC2). Identifiers: Orphanet 805, MedGen C1860707, MONDO:0013199, OMIM 613254.

Submission:

Labcorp Genetics (formerly Invitae), Labcorp
Classification: Uncertain significance for Tuberous sclerosis 2. Last evaluated: 2024-10-14. Review status: criteria provided, single submitter. Criteria: Invitae Variant Classification Sherloc (09022015). Collection method: clinical testing. Allele origin: germline.
Comment: This sequence change falls in intron 14 of the TSC2 gene. It does not directly change the encoded amino acid sequence of the TSC2 protein. It affects a nucleotide within the consensus splice site. This variant is not present in population databases (gnomAD no frequency). This variant has not been reported in the literature in individuals affected with TSC2-related conditions. ClinVar contains an entry for this variant (Variation ID: 1961448). Variants that disrupt the consensus splice site are a relatively common cause of aberrant splicing (PMID: 17576681, 9536098). Algorithms developed to predict the effect of sequence changes on RNA splicing suggest that this variant may disrupt the consensus splice site. In summary, the available evidence is currently insufficient to determine the role of this variant in disease. Therefore, it has been classified as a Variant of Uncertain Significance.

Literature cited by the submitters: PubMed 17576681; PubMed 9536098.